The following is an entry in ClinVar:

NM_001080517.3(SETD5):c.123C>A (p.Ser41=)

Gene: SETD5 (SET domain containing 5; plus strand). Cytogenetic location: 3p25.3.
Variant type: single nucleotide variant.
Coding change: c.123C>A on transcript NM_001080517.3 (MANE Select); coding-DNA position 123, C replaced by A.
Protein change: p.Ser41=; no amino-acid change (serine 41 retained).
Molecular consequence: synonymous variant. On other transcripts: 5 prime UTR variant (2).
Genome position (GRCh38, 1-based): chr3:9,433,896, C>A. VCF-style: chr3-9433896-C-A. GRCh37 (hg19) VCF-style: chr3-9475580-C-A.
Other names: c.-211C>A (NM_001292043.2); c.-252C>A (NM_001349451.2).
Identifiers: ClinVar variation 713197 (VCV000713197.33), dbSNP rs548352059, ClinGen allele CA2238834.

ClinVar aggregate classification (germline): Benign/Likely benign. Review status: criteria provided, multiple submitters, no conflicts (2 of 4 stars). 3 submissions from 3 submitters: Benign (1); Likely benign (2). Last evaluated 2024-09-10.

Allele frequency attached by ClinVar (database versions not stated): gnomAD exomes 0.00002 and 0.00012; TOPMed 0.00002; gnomAD 0.00003 and 0.00005; ExAC 0.00005; 1000 Genomes Project 30x 0.00031; 1000 Genomes Project 0.00040.
gnomAD v4.1: 36 of 1,613,828 alleles (0.0022%); highest among the groups gnomAD compares: East Asian, 0.071%; no homozygotes.

Submissions (3):

Labcorp Genetics (formerly Invitae), Labcorp
Classification: Likely benign. Last evaluated: 2024-09-10. Review status: criteria provided, single submitter. Criteria: Invitae Variant Classification Sherloc (09022015). Collection method: clinical testing. Allele origin: germline.

CeGaT Center for Human Genetics Tuebingen
Classification: Likely benign. Last evaluated: 2022-11-01. Review status: criteria provided, single submitter. Criteria: CeGaT Center For Human Genetics Tuebingen Variant Classification Criteria Version 2. Collection method: clinical testing. Allele origin: germline. Affected: yes. Observed: 1 variant allele.
Comment: SETD5: BP4, BS1

GeneDx
Classification: Benign. Last evaluated: 2020-02-03. Review status: criteria provided, single submitter. Criteria: GeneDx Variant Classification Process June 2021. Collection method: clinical testing. Allele origin: germline. Affected: yes.